The following is an entry in ClinVar:

ClinVar aggregate classification (germline): Uncertain significance. Review status: criteria provided, multiple submitters, no conflicts (2 of 4 stars). 5 submissions from 5 submitters: Uncertain significance (4). 1 of the submissions does not count toward it. Last evaluated 2025-03-08.

Conditions:
Inborn genetic diseases. Identifiers: MedGen C0950123, MeSH D030342.
BBS2-related disorder. Also called: BBS2-related disorders; BBS2-related condition. Identifiers: MedGen CN239228.
Bardet-Biedl syndrome (BBS). Identifiers: Orphanet 110, MedGen C0752166, MONDO:0015229.
Retinal dystrophy. Also called: Inherited retinal dystrophy. Identifiers: Orphanet 71862, MedGen C0854723, MeSH D058499, MONDO:0019118, HP:0000556.

Allele frequency attached by ClinVar (database versions not stated): ExAC 0.00004; TOPMed 0.00007; gnomAD 0.00008; 1000 Genomes Project 30x 0.00031; 1000 Genomes Project 0.00040.
gnomAD v4.1: 121 of 1,613,970 alleles (0.0075%); highest among the groups gnomAD compares: East Asian, 0.029%; no homozygotes.

Submissions (5):

Ambry Genetics
Classification: Uncertain significance for Inborn genetic diseases. Last evaluated: 2025-03-08. Review status: criteria provided, single submitter. Criteria: Ambry Variant Classification Scheme 2023. Collection method: clinical testing. Allele origin: germline.

Dept Of Ophthalmology, Nagoya University
Classification: Uncertain significance for Retinal dystrophy. Last evaluated: 2023-10-01. Review status: criteria provided, single submitter. Criteria: Submitter's publication. Collection method: research. Allele origin: germline. Affected: yes.

Labcorp Genetics (formerly Invitae), Labcorp
Classification: Uncertain significance for Bardet-Biedl syndrome. Last evaluated: 2022-04-12. Review status: criteria provided, single submitter. Criteria: Invitae Variant Classification Sherloc (09022015). Collection method: clinical testing. Allele origin: germline.
Comment: This sequence change replaces serine, which is neutral and polar, with leucine, which is neutral and non-polar, at codon 109 of the BBS2 protein (p.Ser109Leu). This variant is present in population databases (rs181736797, gnomAD 0.05%). This variant has not been reported in the literature in individuals affected with BBS2-related conditions. Algorithms developed to predict the effect of missense changes on protein structure and function are either unavailable or do not agree on the potential impact of this missense change (SIFT: "Tolerated"; PolyPhen-2: "Possibly Damaging"; Align-GVGD: "Class C0"). In summary, the available evidence is currently insufficient to determine the role of this variant in disease. Therefore, it has been classified as a Variant of Uncertain Significance.

Blueprint Genetics
Classification: Uncertain significance. Last evaluated: 2022-02-17. Review status: criteria provided, single submitter. Criteria: ACMG Guidelines, 2015. Collection method: clinical testing. Allele origin: germline.

PreventionGenetics, part of Exact Sciences
Classification: Uncertain significance for BBS2-related condition. Last evaluated: 2024-04-09. Review status: no assertion criteria provided. Collection method: clinical testing. Allele origin: germline. Not counted in ClinVar's aggregate classification.
Comment: The BBS2 c.326C>T variant is predicted to result in the amino acid substitution p.Ser109Leu. To our knowledge, this variant has not been reported in the literature. This variant is reported in 0.055% of alleles in individuals of East Asian descent in gnomAD, which may be too common to be an unreported disease-causing variant. Although we suspect that this variant may be benign, at this time, the clinical significance of this variant is uncertain due to the absence of conclusive functional and genetic evidence.

NM_031885.5(BBS2):c.326C>T (p.Ser109Leu)

Gene: BBS2 (Bardet-Biedl syndrome 2; minus strand). Cytogenetic location: 16q13.
Variant type: single nucleotide variant.
Coding change: c.326C>T on transcript NM_031885.5 (MANE Select); coding-DNA position 326, C replaced by T.
Protein change: p.Ser109Leu; replaces serine 109 with leucine.
Molecular consequence: missense variant. On other transcripts: non-coding transcript variant (5).
Genome position (GRCh38, 1-based): chr16:56,514,472, G>A on the plus strand (C>T on the coding strand, the complement: BBS2 is on the minus strand). VCF-style: chr16-56514472-G-A. GRCh37 (hg19) VCF-style: chr16-56548384-G-A.
Other names: c.326C>T, p.Ser109Leu (NM_001377456.1); short protein forms S109L.
Identifiers: ClinVar variation 2068120 (VCV002068120.6), dbSNP rs181736797, ClinGen allele CA8066083.